The following is an entry in ClinVar:

NM_000059.4(BRCA2):c.5992C>T (p.Gln1998Ter)

Gene: BRCA2 (BRCA2 DNA repair associated; plus strand). Cytogenetic location: 13q13.1.
Variant type: single nucleotide variant.
Coding change: c.5992C>T on transcript NM_000059.4 (MANE Select); coding-DNA position 5992, C replaced by T.
Protein change: p.Gln1998Ter; replaces glutamine 1998 with a stop codon.
Molecular consequence: nonsense.
Genome position (GRCh38, 1-based): chr13:32,340,347, C>T. VCF-style: chr13-32340347-C-T. GRCh37 (hg19) VCF-style: chr13-32914484-C-T.
Other names: 6220C>T (Q1998X); short protein forms Q1998*.
Identifiers: ClinVar variation 51983 (VCV000051983.26), dbSNP rs397507819, ClinGen allele CA023471.

ClinVar aggregate classification (germline): Pathogenic. Review status: reviewed by expert panel (3 of 4 stars). 7 submissions from 7 submitters: Pathogenic (1). 6 of the submissions do not count toward it. Last evaluated 2016-10-18.

Conditions:
Hereditary breast ovarian cancer syndrome. Also called: Hereditary breast and ovarian cancer syndrome; Hereditary breast and ovarian cancer; Hereditary breast and ovarian cancer syndrome (HBOC); Breast and ovarian cancer; Hereditary breast and/or ovarian cancer syndrome; BRCA1- and BRCA2-Associated Hereditary Breast and Ovarian Cancer. Identifiers: Orphanet 145, MedGen C0677776, MeSH D061325, MONDO:0003582. Disease mechanism: loss of function.
Hereditary cancer-predisposing syndrome. Also called: Neoplastic Syndromes, Hereditary; Tumor predisposition; Hereditary neoplastic syndrome; Hereditary Cancer Syndrome. Identifiers: Orphanet 140162, MedGen C0027672, MeSH D009386, MONDO:0015356.
Breast-ovarian cancer, familial, susceptibility to, 2 (BROVCA2). Also called: BRCA2 Hereditary Breast and Ovarian Cancer. Identifiers: Orphanet 145, MedGen C2675520, MONDO:0012933, OMIM 612555. Disease mechanism: loss of function.

Allele frequency attached by ClinVar (database versions not stated): TOPMed below 0.00001; gnomAD 0.00001.
gnomAD v4.1: 1 of 1,613,814 alleles (0.000062%); highest among the groups gnomAD compares: Non-Finnish European, 0.000085%; no homozygotes.

Submissions (7):

Evidence-based Network for the Interpretation of Germline Mutant Alleles (ENIGMA)
Classification: Pathogenic for Breast-ovarian cancer, familial, susceptibility to, 2. Last evaluated: 2016-10-18. Review status: reviewed by expert panel. Criteria: ENIGMA BRCA1/2 Classification Criteria (2015). Collection method: curation. Allele origin: germline.
Comment: Variant allele predicted to encode a truncated non-functional protein.

Labcorp Genetics (formerly Invitae), Labcorp
Classification: Pathogenic for Hereditary breast ovarian cancer syndrome. Last evaluated: 2025-07-18. Review status: criteria provided, single submitter. Criteria: Invitae Variant Classification Sherloc (09022015). Collection method: clinical testing. Allele origin: germline. Not counted in ClinVar's aggregate classification.
Comment: This sequence change creates a premature translational stop signal (p.Gln1998*) in the BRCA2 gene. It is expected to result in an absent or disrupted protein product. Loss-of-function variants in BRCA2 are known to be pathogenic (PMID: 20104584). This variant is not present in population databases (gnomAD no frequency). This premature translational stop signal has been observed in individual(s) with breast or ovarian cancer (PMID: 18703817). ClinVar contains an entry for this variant (Variation ID: 51983). For these reasons, this variant has been classified as Pathogenic.

Ambry Genetics
Classification: Pathogenic for Hereditary cancer-predisposing syndrome. Last evaluated: 2022-02-21. Review status: criteria provided, single submitter. Criteria: Ambry Variant Classification Scheme 2023. Collection method: clinical testing. Allele origin: germline. Not counted in ClinVar's aggregate classification.
Comment: The p.Q1998* pathogenic mutation (also known as c.5992C>T), located in coding exon 10 of the BRCA2 gene, results from a C to T substitution at nucleotide position 5992. This changes the amino acid from a glutamine to a stop codon within coding exon 10. This mutation, designated as Q1998X, has been previously reported in a family with hereditary breast and ovarian cancer (HBCO) syndrome (Palma MD et al. Cancer Res. 2008 Sep;68:7006-14). This alteration was also identified in a large, worldwide study of BRCA1/2 mutation positive families (Rebbeck TR et al. Hum Mutat, 2018 05;39:593-620). In addition to the clinical data presented in the literature, this alteration is expected to result in loss of function by premature protein truncation or nonsense-mediated mRNA decay. As such, this alteration is interpreted as a disease-causing mutation.

Quest Diagnostics Nichols Institute San Juan Capistrano
Classification: Pathogenic. Last evaluated: 2021-07-23. Review status: criteria provided, single submitter. Criteria: Quest Diagnostics criteria. Collection method: clinical testing. Allele origin: unknown. Not counted in ClinVar's aggregate classification.
Comment: This nonsense variant causes the premature termination of BRCA2 protein synthesis. In addition, it has been identified in individuals with hereditary breast and/or ovarian cancer in the published literature (PMID: 29446198 (2018), 18703817 (2008)). Based on the available information, this variant is classified as pathogenic.

Color Diagnostics, LLC DBA Color Health
Classification: Pathogenic for Hereditary cancer-predisposing syndrome. Last evaluated: 2020-01-15. Review status: criteria provided, single submitter. Criteria: ACMG Guidelines, 2015. Collection method: clinical testing. Allele origin: germline. Not counted in ClinVar's aggregate classification.
Comment: This variant changes 1 nucleotide in exon 11 of the BRCA2 gene, creating a premature translation stop signal. This variant is expected to result in an absent or non-functional protein product. This variant has not been identified in the general population by the Genome Aggregation Database (gnomAD). Loss of BRCA2 function is a known mechanism of disease. Based on the available evidence, this variant is classified as Pathogenic.

ARUP Laboratories, Molecular Genetics and Genomics, ARUP Laboratories
Classification: Pathogenic. Last evaluated: 2017-05-16. Review status: criteria provided, single submitter. Criteria: ARUP Molecular Germline Variant Investigation Process. Collection method: clinical testing. Allele origin: germline. Not counted in ClinVar's aggregate classification.
Comment: The BRCA2 c.5992C>T;p.Gln1998Ter variant has been published in at least one individual with breast cancer (Palma 2008) and is listed in the ClinVar database (Variation ID: 51983). The variant is listed in the dbSNP variant database (rs397507819) but is not listed in the general population-based databases (Exome Variant Server, Genome Aggregation Database). This variant introduces a premature termination codon and is predicted to result in a truncated or absent protein. Considering available information, this variant is classified as pathogenic. References: Palma MD et al. The relative contribution of point mutations and genomic rearrangements in BRCA1 and BRCA2 in high-risk breast cancer families. Cancer Res. 2008 Sep 1;68(17):7006-14.

Consortium of Investigators of Modifiers of BRCA1/2 (CIMBA), c/o University of Cambridge
Classification: Pathogenic for Breast-ovarian cancer, familial, susceptibility to, 2. Last evaluated: 2015-10-02. Review status: criteria provided, single submitter. Criteria: CIMBA Mutation Classification guidelines May 2016. Collection method: clinical testing. Allele origin: germline. Not counted in ClinVar's aggregate classification.

Literature cited by the submitters: PubMed 20104584 (cited by Labcorp Genetics (formerly Invitae), Labcorp); PubMed 18703817 (cited by 3 submitters); PubMed 29446198 (cited by Ambry Genetics and Quest Diagnostics Nichols Institute San Juan Capistrano).